The following is an entry in ClinVar:

NM_000091.5(COL4A3):c.2339G>T (p.Gly780Val)

Genes: COL4A3 (collagen type IV alpha 3 chain; plus strand), MFF-DT (MFF divergent transcript; minus strand). Cytogenetic location: 2q36.3.
Variant type: single nucleotide variant.
Coding change: c.2339G>T on transcript NM_000091.5 (MANE Select); coding-DNA position 2339, G replaced by T.
Protein change: p.Gly780Val; replaces glycine 780 with valine.
Molecular consequence: missense variant.
Genome position (GRCh38, 1-based): chr2:227,280,555, G>T. VCF-style: chr2-227280555-G-T. GRCh37 (hg19) VCF-style: chr2-228145271-G-T.
Other names: short protein forms G780V.
Identifiers: ClinVar variation 4880354 (VCV004880354.1).

ClinVar aggregate classification (germline): Uncertain significance (1 of 4 stars; one submission).

Conditions:
Autosomal dominant Alport syndrome (ATS3A). Also called: Alport syndrome dominant type; Renal failure and sensorineural hearing loss; ALPORT SYNDROME 3A, AUTOSOMAL DOMINANT. Identifiers: Orphanet 63, Orphanet 88918, MedGen C5882663, MONDO:0007086, OMIM 104200.
Alport syndrome 3b, autosomal recessive. Identifiers: MedGen C5882699, MONDO:0957811, OMIM 620536.

Submission:

Genetics laboratory, Institute of Kidney Diseases & Research Centre Dr. H.L. Trivedi Institute Of Transplantation Sciences
Classification: Uncertain significance for Autosomal dominant Alport syndrome; Alport syndrome 3b, autosomal recessive. Last evaluated: 2026-07-13. Review status: criteria provided, single submitter. Criteria: ACMG Guidelines, 2015. Collection method: clinical testing. Allele origin: germline. Inheritance: Autosomal recessive inheritance. Affected: yes. Observed: 1 variant allele, 1 homozygote.
Comment: A homozygous missense variant, c.2339G>T (p.Gly780Val), was identified in the COL4A3 gene. The variant results in substitution of a highly conserved glycine residue within the collagenous Gly-X-Y domain of the α3 chain of type IV collagen, a critical functional region in which glycine substitutions are a well-established mechanism underlying COL4A3-related Alport syndrome (PM1). The variant is absent or extremely rare in population databases (PM2) and multiple validated computational prediction tools predicted to have a deleterious effect on protein structure and function (PP3). Although the homozygous state is compatible with autosomal recessive Alport syndrome, the available evidence is currently insufficient to classify the variant as pathogenic without additional clinical, segregation, or functional data. Therefore, the variant is classified as a Variant of Uncertain Significance (VUS) according to ACMG/AMP guidelines.